The following is an entry in ClinVar:

ClinVar aggregate classification (germline): Benign/Likely benign. Review status: criteria provided, multiple submitters, no conflicts (2 of 4 stars). 4 submissions from 4 submitters: Benign (1); Likely benign (1). 2 of the submissions do not count toward it. Last evaluated 2026-02-04.

Conditions:
Congenital pontocerebellar hypoplasia type 1. Also called: Pontocerebellar hypoplasia type 1. Identifiers: Orphanet 2254, MedGen C5442006, MONDO:0016396.
Pontocerebellar hypoplasia type 1A (PCH1A). Also called: PONTOCEREBELLAR HYPOPLASIA WITH ANTERIOR HORN CELL DISEASE; PONTOCEREBELLAR HYPOPLASIA WITH INFANTILE SPINAL MUSCULAR ATROPHY. Identifiers: Orphanet 2254, Orphanet 88616, MedGen C1843504, MONDO:0011866, OMIM 607596.
VRK1-related disorder. Also called: VRK1-related condition.

Allele frequency attached by ClinVar (database versions not stated): TOPMed 0.00003; gnomAD 0.00006; ESP Exome Variant Server 0.00008; gnomAD exomes 0.00018; ExAC 0.00027; 1000 Genomes Project 0.00080; 1000 Genomes Project 30x 0.00094.
gnomAD v4.1: 140 of 1,609,976 alleles (0.0087%); highest among the groups gnomAD compares: Middle Eastern, 0.083%; no homozygotes.

Submissions (4):

Labcorp Genetics (formerly Invitae), Labcorp
Classification: Likely benign for Pontocerebellar hypoplasia type 1A. Last evaluated: 2026-02-04. Review status: criteria provided, single submitter. Criteria: Invitae Variant Classification Sherloc (09022015). Collection method: clinical testing. Allele origin: germline.

Athena Diagnostics
Classification: Benign. Last evaluated: 2023-12-21. Review status: criteria provided, single submitter. Criteria: Athena Diagnostics Criteria. Collection method: clinical testing. Allele origin: unknown.

PreventionGenetics, part of Exact Sciences
Classification: Likely benign for VRK1-related condition. Last evaluated: 2024-03-11. Review status: no assertion criteria provided. Collection method: clinical testing. Allele origin: germline. Not counted in ClinVar's aggregate classification.
Comment: This variant is classified as likely benign based on ACMG/AMP sequence variant interpretation guidelines (Richards et al. 2015 PMID: 25741868, with internal and published modifications).

Natera, Inc.
Classification: Likely benign for Pontocerebellar hypoplasia type 1. Last evaluated: 2020-11-11. Review status: no assertion criteria provided. Collection method: clinical testing. Allele origin: germline. Not counted in ClinVar's aggregate classification.

NM_003384.3(VRK1):c.576+8T>C

Gene: VRK1 (VRK serine/threonine kinase 1; plus strand). Cytogenetic location: 14q32.2.
Variant type: single nucleotide variant.
Coding change: c.576+8T>C on transcript NM_003384.3 (MANE Select); 8 bases into the intron after coding-DNA position 576, T replaced by C.
Molecular consequence: intron variant.
Genome position (GRCh38, 1-based): chr14:96,853,174, T>C. VCF-style: chr14-96853174-T-C. GRCh37 (hg19) VCF-style: chr14-97319511-T-C.
Identifiers: ClinVar variation 702227 (VCV000702227.14), dbSNP rs368495945, ClinGen allele CA7339015.